The following is an entry in ClinVar:

ClinVar aggregate classification (germline): Uncertain significance (1 of 4 stars; one submission).

gnomAD v4.1: 1 of 1,610,660 alleles (0.000062%); no homozygotes.

Submission:

Labcorp Genetics (formerly Invitae), Labcorp
Classification: Uncertain significance. Last evaluated: 2022-06-24. Review status: criteria provided, single submitter. Criteria: Invitae Variant Classification Sherloc (09022015). Collection method: clinical testing. Allele origin: germline.
Comment: This sequence change replaces cysteine, which is neutral and slightly polar, with arginine, which is basic and polar, at codon 507 of the EYS protein (p.Cys507Arg). This variant is not present in population databases (gnomAD no frequency). This variant has not been reported in the literature in individuals affected with EYS-related conditions. Algorithms developed to predict the effect of missense changes on protein structure and function (SIFT, PolyPhen-2, Align-GVGD) all suggest that this variant is likely to be disruptive. In summary, the available evidence is currently insufficient to determine the role of this variant in disease. Therefore, it has been classified as a Variant of Uncertain Significance.

NM_001142800.2(EYS):c.1519T>C (p.Cys507Arg)

Gene: EYS (eyes shut homolog; minus strand). Cytogenetic location: 6q12.
Variant type: single nucleotide variant.
Coding change: c.1519T>C on transcript NM_001142800.2 (MANE Select); coding-DNA position 1519, T replaced by C.
Protein change: p.Cys507Arg; replaces cysteine 507 with arginine.
Molecular consequence: missense variant.
Genome position (GRCh38, 1-based): chr6:65,344,118, A>G on the plus strand (T>C on the coding strand, the complement: EYS is on the minus strand). VCF-style: chr6-65344118-A-G. GRCh37 (hg19) VCF-style: chr6-66054011-A-G.
Other names: c.1519T>C, p.Cys507Arg (NM_001142801.2, NM_001292009.2, NM_198283.2); short protein forms C507R.
Identifiers: ClinVar variation 1439095 (VCV001439095.4), dbSNP rs2150319928, ClinGen allele CA364661463.